The following is an entry in ClinVar:

NM_133497.4(KCNV2):c.341A>G (p.Glu114Gly)

Gene: KCNV2 (potassium voltage-gated channel modifier subfamily V member 2; plus strand). Cytogenetic location: 9p24.2.
Variant type: single nucleotide variant.
Coding change: c.341A>G on transcript NM_133497.4 (MANE Select); coding-DNA position 341, A replaced by G.
Protein change: p.Glu114Gly; replaces glutamic acid 114 with glycine.
Molecular consequence: missense variant.
Genome position (GRCh38, 1-based): chr9:2,718,080, A>G. VCF-style: chr9-2718080-A-G. GRCh37 (hg19) VCF-style: chr9-2718080-A-G.
Other names: short protein forms E114G.
Identifiers: ClinVar variation 1976192 (VCV001976192.4), dbSNP rs1819772385, ClinGen allele CA372796652.
Genomic context (GRCh38, chr9:2,718,080, plus strand): 5'-CCCTGCTGTCCACGCTGAATGTGAACGTGGGTGGCCACAGCTACCAGCTGGACTACTGCG[A>G]GCTGGCCGGCTTCCCCAAGACGCGCCTAGGTCGCCTGGCCACCTCCACCAGCCGCAGCCG-3'
Protein context (NP_598004.1, residues 104-124): GGHSYQLDYC[Glu114Gly]LAGFPKTRLG

ClinVar aggregate classification (germline): Uncertain significance (1 of 4 stars; one submission).

Allele frequency attached by ClinVar (database versions not stated): TOPMed below 0.00001.

Submission:

Labcorp Genetics (formerly Invitae), Labcorp
Classification: Uncertain significance. Last evaluated: 2023-10-13. Review status: criteria provided, single submitter. Criteria: Invitae Variant Classification Sherloc (09022015). Collection method: clinical testing. Allele origin: germline.
Comment: This sequence change replaces glutamic acid, which is acidic and polar, with glycine, which is neutral and non-polar, at codon 114 of the KCNV2 protein (p.Glu114Gly). This variant is not present in population databases (gnomAD no frequency). This variant has not been reported in the literature in individuals affected with KCNV2-related conditions. ClinVar contains an entry for this variant (Variation ID: 1976192). Advanced modeling of protein sequence and biophysical properties (such as structural, functional, and spatial information, amino acid conservation, physicochemical variation, residue mobility, and thermodynamic stability) performed at Invitae indicates that this missense variant is not expected to disrupt KCNV2 protein function. In summary, the available evidence is currently insufficient to determine the role of this variant in disease. Therefore, it has been classified as a Variant of Uncertain Significance.